The following is an entry in ClinVar:

ClinVar aggregate classification (germline): Uncertain significance (1 of 4 stars; one submission).

Allele frequency attached by ClinVar (database versions not stated): gnomAD exomes below 0.00001.
gnomAD v4.1: 2 of 1,613,908 alleles (0.00012%); highest among the groups gnomAD compares: African/African-American, 0.0013%; no homozygotes.

Submission:

Labcorp Genetics (formerly Invitae), Labcorp
Classification: Uncertain significance. Last evaluated: 2024-04-22. Review status: criteria provided, single submitter. Criteria: Invitae Variant Classification Sherloc (09022015). Collection method: clinical testing. Allele origin: germline.
Comment: This sequence change replaces lysine, which is basic and polar, with glutamic acid, which is acidic and polar, at codon 1252 of the COL4A4 protein (p.Lys1252Glu). This variant is not present in population databases (gnomAD no frequency). This variant has not been reported in the literature in individuals affected with COL4A4-related conditions. Advanced modeling of protein sequence and biophysical properties (such as structural, functional, and spatial information, amino acid conservation, physicochemical variation, residue mobility, and thermodynamic stability) performed at Invitae indicates that this missense variant is not expected to disrupt COL4A4 protein function with a negative predictive value of 95%. In summary, the available evidence is currently insufficient to determine the role of this variant in disease. Therefore, it has been classified as a Variant of Uncertain Significance.

NM_000092.5(COL4A4):c.3754A>G (p.Lys1252Glu)

Gene: COL4A4 (collagen type IV alpha 4 chain; minus strand). Cytogenetic location: 2q36.3.
Variant type: single nucleotide variant.
Coding change: c.3754A>G on transcript NM_000092.5 (MANE Select); coding-DNA position 3754, A replaced by G.
Protein change: p.Lys1252Glu; replaces lysine 1252 with glutamic acid.
Molecular consequence: missense variant.
Genome position (GRCh38, 1-based): chr2:227,032,008, T>C on the plus strand (A>G on the coding strand, the complement: COL4A4 is on the minus strand). VCF-style: chr2-227032008-T-C. GRCh37 (hg19) VCF-style: chr2-227896724-T-C.
Other names: short protein forms K1252E.
Identifiers: ClinVar variation 2737565 (VCV002737565.3), dbSNP rs1968529145, ClinGen allele CA350837618.